The following is an entry in ClinVar:

NM_001943.5(DSG2):c.22G>A (p.Ala8Thr)

Genes: DSG2 (desmoglein 2; plus strand), LOC130062340 (ATAC-STARR-seq lymphoblastoid silent region 9384; plus strand). Cytogenetic location: 18q12.1.
Variant type: single nucleotide variant.
Coding change: c.22G>A on transcript NM_001943.5 (MANE Select); coding-DNA position 22, G replaced by A.
Protein change: p.Ala8Thr; replaces alanine 8 with threonine.
Molecular consequence: missense variant.
Genome position (GRCh38, 1-based): chr18:31,498,273, G>A. VCF-style: chr18-31498273-G-A. GRCh37 (hg19) VCF-style: chr18-29078236-G-A.
Other names: short protein forms A8T.
Identifiers: ClinVar variation 918240 (VCV000918240.5), dbSNP rs2072994295, ClinGen allele CA402127588.

ClinVar aggregate classification (germline): Uncertain significance (1 of 4 stars; one submission).

Conditions:
Cardiomyopathy (CMYO). Also called: Cardiomyopathies. Identifiers: Orphanet 167848, MedGen C0878544, MONDO:0004994, HP:0001638. Inheritance: Various modes of inheritance.

Submission:

Color Diagnostics, LLC DBA Color Health
Classification: Uncertain significance for Cardiomyopathy. Last evaluated: 2023-12-05. Review status: criteria provided, single submitter. Criteria: ACMG Guidelines, 2015. Collection method: clinical testing. Allele origin: germline.
Comment: Variant of Uncertain Significance due to insufficient evidence: This missense variant is located in the signal peptide sequence of the DSG2 protein. Computational prediction tools and conservation analyses suggest that this variant may not impact the protein function. Computational splicing tools suggest that this variant may not impact RNA splicing. To our knowledge, functional assays have not been performed for this variant nor has this variant been reported in individuals affected with cardiovascular disorders in the literature. This variant is rare in the general population and has been identified in 0/277264 chromosomes by the Genome Aggregation Database (gnomAD). Available evidence is insufficient to determine the role of this variant in disease conclusively.